The following is an entry in ClinVar:

NM_001242957.3(MAK):c.7C>T (p.Arg3Ter)

Gene: MAK (male germ cell associated kinase; minus strand). Cytogenetic location: 6p24.2.
Variant type: single nucleotide variant.
Coding change: c.7C>T on transcript NM_001242957.3 (MANE Select); coding-DNA position 7, C replaced by T.
Protein change: p.Arg3Ter; replaces arginine 3 with a stop codon.
Molecular consequence: nonsense. On other transcripts: non-coding transcript variant (2), intron variant (1).
Genome position (GRCh38, 1-based): chr6:10,830,642, G>A on the plus strand (C>T on the coding strand, the complement: MAK is on the minus strand). VCF-style: chr6-10830642-G-A. GRCh37 (hg19) VCF-style: chr6-10830875-G-A.
Other names: c.7C>T, p.Arg3Ter (NM_001242385.2, NM_005906.6); c.-2+7861C>T (NM_001377262.1); c.7C>T (NM_001242957.2); short protein forms R3*.
Identifiers: ClinVar variation 1072281 (VCV001072281.11), dbSNP rs558628181, ClinGen allele CA3633858.
Genomic context (GRCh38, chr6:10,830,642, plus strand): 5'-TCTTGCCCATAAGCACACTCCCATACGTGCCGTCCCCCAACTGTCTCATGGTTGTGTATC[G>A]GTTCATCTTGGAAAAATAATGCAGCAGAAGTTGTTGATTGAAATGACTTCCTTGTTGAAT-3'

ClinVar aggregate classification (germline): Pathogenic/Likely pathogenic. Review status: criteria provided, multiple submitters, no conflicts (2 of 4 stars). 4 submissions from 4 submitters: Pathogenic (1); Likely pathogenic (2). 1 of the submissions does not count toward it. Last evaluated 2025-07-29.

Conditions:
MAK-related disorder. Also called: MAK-related condition.
Retinitis pigmentosa 62 (RP62). Identifiers: Orphanet 791, MedGen C3280042, MONDO:0013611, OMIM 614181.
MAK-related disorders.

Allele frequency attached by ClinVar (database versions not stated): gnomAD 0.00001; gnomAD exomes 0.00001 and 0.00003; ExAC 0.00002; TOPMed 0.00002.
gnomAD v4.1: 17 of 1,612,258 alleles (0.0011%); highest among the groups gnomAD compares: Admixed American, 0.017%; no homozygotes.

Submissions (4):

Labcorp Genetics (formerly Invitae), Labcorp
Classification: Pathogenic. Last evaluated: 2025-07-29. Review status: criteria provided, single submitter. Criteria: Invitae Variant Classification Sherloc (09022015). Collection method: clinical testing. Allele origin: germline.
Comment: This sequence change creates a premature translational stop signal (p.Arg3*) in the MAK gene. It is expected to result in an absent or disrupted protein product. Loss-of-function variants in MAK are known to be pathogenic (PMID: 21148103, 21825139, 24938718, 29781741). This variant is present in population databases (rs558628181, gnomAD 0.02%). This variant has not been reported in the literature in individuals affected with MAK-related conditions. ClinVar contains an entry for this variant (Variation ID: 1072281). For these reasons, this variant has been classified as Pathogenic.

Baylor Genetics
Classification: Likely pathogenic for Retinitis pigmentosa 62. Last evaluated: 2023-12-29. Review status: criteria provided, single submitter. Criteria: ACMG Guidelines, 2015. Collection method: clinical testing. Allele origin: unknown.

Blueprint Genetics
Classification: Likely pathogenic for MAK-related disorders. Last evaluated: 2022-01-05. Review status: criteria provided, single submitter. Criteria: ACMG Guidelines, 2015. Collection method: clinical testing. Allele origin: germline. Affected: yes. Observed: 2 variant alleles.

PreventionGenetics, part of Exact Sciences
Classification: Likely benign for MAK-related condition. Last evaluated: 2019-03-05. Review status: no assertion criteria provided. Collection method: clinical testing. Allele origin: germline. Not counted in ClinVar's aggregate classification.
Comment: This variant is classified as likely benign based on ACMG/AMP sequence variant interpretation guidelines (Richards et al. 2015 PMID: 25741868, with internal and published modifications).

Literature cited by the submitters: PubMed 21148103 (cited by Labcorp Genetics (formerly Invitae), Labcorp); PubMed 21825139 (cited by Labcorp Genetics (formerly Invitae), Labcorp); PubMed 24938718 (cited by Labcorp Genetics (formerly Invitae), Labcorp); PubMed 29781741 (cited by Labcorp Genetics (formerly Invitae), Labcorp).